The following is an entry in ClinVar:

ClinVar aggregate classification (germline): Uncertain significance (1 of 4 stars; one submission).

Conditions:
Inborn genetic diseases. Identifiers: MedGen C0950123, MeSH D030342.

gnomAD v4.1: 2 of 1,612,312 alleles (0.00012%); no homozygotes.

Submission:

Ambry Genetics
Classification: Uncertain significance for Inborn genetic diseases. Last evaluated: 2025-12-22. Review status: criteria provided, single submitter. Criteria: Ambry Variant Classification Scheme 2023. Collection method: clinical testing. Allele origin: germline.
Comment: The c.1336T>G (p.C446G) alteration is located in exon 10 (coding exon 10) of the GRHL2 gene. This alteration results from a T to G substitution at nucleotide position 1336, causing the cysteine (C) at amino acid position 446 to be replaced by a glycine (G). Based on data from gnomAD, the G allele has an overall frequency of <0.001% (1/250548) total alleles studied. The highest observed frequency was <0.001% (/) of alleles. Based on insufficient or conflicting evidence, the clinical significance of this alteration remains unclear.

NM_024915.4(GRHL2):c.1336T>G (p.Cys446Gly)

Gene: GRHL2 (grainyhead like transcription factor 2; plus strand). Cytogenetic location: 8q22.3.
Variant type: single nucleotide variant.
Coding change: c.1336T>G on transcript NM_024915.4 (MANE Select); coding-DNA position 1336, T replaced by G.
Protein change: p.Cys446Gly; replaces cysteine 446 with glycine.
Molecular consequence: missense variant.
Genome position (GRCh38, 1-based): chr8:101,631,715, T>G. VCF-style: chr8-101631715-T-G. GRCh37 (hg19) VCF-style: chr8-102643943-T-G.
Other names: c.1288T>G, p.Cys430Gly (NM_001330593.2, NM_001440448.1); c.1336T>G, p.Cys446Gly (NM_001440447.1); short protein forms C446G, C430G.
Identifiers: ClinVar variation 4837751 (VCV004837751.1).